The following is an entry in ClinVar:

NM_007348.4(ATF6):c.159+4del

Gene: ATF6 (activating transcription factor 6; plus strand). Cytogenetic location: 1q23.3.
Variant type: Deletion.
Coding change: c.159+4del on transcript NM_007348.4 (MANE Select); 4 bases into the intron after coding-DNA position 159, one base deleted (A; older notation c.159+4delA).
Molecular consequence: intron variant.
Genome position (GRCh38, 1-based): chr1:161,778,324, A deleted; the last of 2 consecutive A bases (chr1:161,778,323-161,778,324); deleting either gives the same sequence. VCF-style (leftmost placement, unchanged base first): chr1-161778322-TA-T. GRCh37 (hg19) VCF-style: chr1-161748112-TA-T.
Identifiers: ClinVar variation 1370641 (VCV001370641.6), dbSNP rs2101723441, ClinGen allele CA2573131228.
Genomic context (GRCh38, chr1:161,778,322, plus strand): 5'-AACTCGGTTATTTCACAGACACTGATGAGCTGCAATTGGAAGCAGCAAATGAGACGTATG[TA>T]AGTATTTACTAAGGTTGAATAATGTGATATTTAGTCTTTAACCCTAATTATTGCAAGAAA-3'

ClinVar aggregate classification (germline): Uncertain significance (1 of 4 stars; one submission).

Submission:

Labcorp Genetics (formerly Invitae), Labcorp
Classification: Uncertain significance. Last evaluated: 2021-02-11. Review status: criteria provided, single submitter. Criteria: Invitae Variant Classification Sherloc (09022015). Collection method: clinical testing. Allele origin: germline.
Comment: In summary, the available evidence is currently insufficient to determine the role of this variant in disease. Therefore, it has been classified as a Variant of Uncertain Significance. Nucleotide substitutions within the consensus splice site are a relatively common cause of aberrant splicing (PMID: 17576681, 9536098). Algorithms developed to predict the effect of sequence changes on RNA splicing suggest that this variant may disrupt the consensus splice site, but this prediction has not been confirmed by published transcriptional studies. This variant has not been reported in the literature in individuals with ATF6-related conditions. This variant is not present in population databases (ExAC no frequency). This sequence change falls in intron 2 of the ATF6 gene. It does not directly change the encoded amino acid sequence of the ATF6 protein. It affects a nucleotide within the consensus splice site of the intron.

Literature cited by the submitters: PubMed 17576681; PubMed 9536098.